The following is an entry in ClinVar:

NM_182961.4(SYNE1):c.25831T>A (p.Ser8611Thr)

Gene: SYNE1 (spectrin repeat containing nuclear envelope protein 1; minus strand). Cytogenetic location: 6q25.2.
Variant type: single nucleotide variant.
Coding change: c.25831T>A on transcript NM_182961.4 (MANE Select); coding-DNA position 25831, T replaced by A.
Protein change: p.Ser8611Thr; replaces serine 8611 with threonine.
Molecular consequence: missense variant.
Genome position (GRCh38, 1-based): chr6:152,133,446, A>T on the plus strand (T>A on the coding strand, the complement: SYNE1 is on the minus strand). VCF-style: chr6-152133446-A-T. GRCh37 (hg19) VCF-style: chr6-152454581-A-T.
Other names: c.2437T>A, p.Ser813Thr (NM_001347701.2); c.2365T>A, p.Ser789Thr (NM_001347702.2); c.25687T>A, p.Ser8563Thr (NM_033071.5); short protein forms S789T, S813T, S8563T, S8611T.
Identifiers: ClinVar variation 2579009 (VCV002579009.25), dbSNP rs2549468295, ClinGen allele CA366077314.

ClinVar aggregate classification (germline): Uncertain significance (1 of 4 stars; one submission).

Allele frequency attached by ClinVar (database versions not stated): gnomAD exomes below 0.00001.
gnomAD v4.1: 1 of 1,614,242 alleles (0.000062%); highest among the groups gnomAD compares: Non-Finnish European, 0.000085%; no homozygotes.

Submission:

CeGaT Center for Human Genetics Tuebingen
Classification: Uncertain significance. Last evaluated: 2023-07-01. Review status: criteria provided, single submitter. Criteria: CeGaT Center For Human Genetics Tuebingen Variant Classification Criteria Version 2. Collection method: clinical testing. Allele origin: germline. Affected: yes. Observed: 1 variant allele.
Comment: SYNE1: PM2, BP4